The following is an entry in ClinVar:

ClinVar aggregate classification (germline): Pathogenic (1 of 4 stars; one submission).

Conditions:
Ehlers-Danlos syndrome due to tenascin-X deficiency (EDSCLL1). Also called: Ehlers-Danlos syndrome, classic-like, 1; EHLERS-DANLOS SYNDROME, CLASSIC-LIKE; TNXB-Related Classical-Like Ehlers-Danlos Syndrome; EDS DUE TO TNX DEFICIENCY; TNX DEFICIENCY. Identifiers: Orphanet 230839, MedGen C1848029, MONDO:0011670, OMIM 606408.

Submission:

Myriad Genetics, Inc.
Classification: Pathogenic for Ehlers-Danlos syndrome due to tenascin-X deficiency. Last evaluated: 2025-04-16. Review status: criteria provided, single submitter. Criteria: Myriad Autosomal Dominant, Autosomal Recessive and X-Linked Classification Criteria (2023). Collection method: clinical testing. Allele origin: unknown.
Comment: NM_019105.6(TNXB):c.6173delT(F2058Sfs*15) is expected to be pathogenic in the context of classical-like Ehlers-Danlos syndrome, TNXB-related. This variant is predicted to lead to an abnormal or absent protein product due to the creation of a premature termination codon in TNXB, a gene where loss-of-function variants are known to be pathogenic. Please note: this variant was assessed in the context of healthy population screening.

NM_001365276.2(TNXB):c.6173del (p.Phe2058fs)

Gene: TNXB (tenascin XB; minus strand). Cytogenetic location: 6p21.33.
Variant type: Deletion.
Coding change: c.6173del on transcript NM_001365276.2 (MANE Select); coding-DNA position 6173, one base deleted (T; older notation c.6173delT).
Protein change: p.Phe2058fs; shifts the reading frame from phenylalanine 2058.
Molecular consequence: frameshift variant.
Genome position (GRCh38, 1-based): chr6:32,068,437, A deleted on the plus strand (T on the coding strand, the reverse complement: TNXB is on the minus strand); the first of 2 consecutive A bases (chr6:32,068,437-32,068,438); deleting either gives the same sequence. VCF-style (leftmost placement, unchanged base first): chr6-32068436-GA-G. GRCh37 (hg19) VCF-style: chr6-32036213-GA-G.
Other names: c.6914del, p.Phe2305fs (NM_001428335.1); c.6173del, p.Phe2058fs (NM_019105.8); short protein forms F2058fs, F2305fs.
Identifiers: ClinVar variation 5014333 (VCV005014333.1).